The following is an entry in ClinVar:

NM_139076.3(ABRAXAS1):c.443G>T (p.Arg148Leu)

Gene: ABRAXAS1 (abraxas 1, BRCA1 A complex subunit; minus strand). Cytogenetic location: 4q21.23.
Variant type: single nucleotide variant.
Coding change: c.443G>T on transcript NM_139076.3 (MANE Select); coding-DNA position 443, G replaced by T.
Protein change: p.Arg148Leu; replaces arginine 148 with leucine.
Molecular consequence: missense variant.
Genome position (GRCh38, 1-based): chr4:83,470,236, C>A on the plus strand (G>T on the coding strand, the complement: ABRAXAS1 is on the minus strand). VCF-style: chr4-83470236-C-A. GRCh37 (hg19) VCF-style: chr4-84391389-C-A.
Other names: c.116G>T, p.Arg39Leu (NM_001345962.2); c.443G>T (NM_139076.2); short protein forms R148L, R39L.
Identifiers: ClinVar variation 1360418 (VCV001360418.9), dbSNP rs760079258, ClinGen allele CA2990554.

ClinVar aggregate classification (germline): Uncertain significance. Review status: criteria provided, multiple submitters, no conflicts (2 of 4 stars). 2 submissions from 2 submitters: Uncertain significance (2). Last evaluated 2023-12-21.

Submissions (2):

Ambry Genetics
Classification: Uncertain significance. Last evaluated: 2023-12-21. Review status: criteria provided, single submitter. Criteria: Ambry Variant Classification Scheme 2023. Collection method: clinical testing. Allele origin: germline.

Labcorp Genetics (formerly Invitae), Labcorp
Classification: Uncertain significance. Last evaluated: 2020-11-30. Review status: criteria provided, single submitter. Criteria: Invitae Variant Classification Sherloc (09022015). Collection method: clinical testing. Allele origin: germline.
Comment: In summary, the available evidence is currently insufficient to determine the role of this variant in disease. Therefore, it has been classified as a Variant of Uncertain Significance. Algorithms developed to predict the effect of missense changes on protein structure and function are either unavailable or do not agree on the potential impact of this missense change (SIFT: "Tolerated"; PolyPhen-2: "Possibly Damaging"; Align-GVGD: "Class C0"). This variant has not been reported in the literature in individuals with ABRAXAS1-related conditions. This variant is present in population databases (rs760079258, ExAC 0.002%). This sequence change replaces arginine with leucine at codon 148 of the ABRAXAS1 protein (p.Arg148Leu). The arginine residue is moderately conserved and there is a moderate physicochemical difference between arginine and leucine.